The following is an entry in ClinVar:

ClinVar aggregate classification (germline): Uncertain significance. Review status: criteria provided, multiple submitters, no conflicts (2 of 4 stars). 2 submissions from 2 submitters: Uncertain significance (2). Last evaluated 2023-11-27.

Conditions:
Hereditary cancer-predisposing syndrome. Also called: Hereditary neoplastic syndrome; Neoplastic Syndromes, Hereditary; Hereditary Cancer Syndrome; Tumor predisposition. Identifiers: Orphanet 140162, MedGen C0027672, MeSH D009386, MONDO:0015356.

Submissions (2):

Labcorp Genetics (formerly Invitae), Labcorp
Classification: Uncertain significance for Hereditary cancer-predisposing syndrome. Last evaluated: 2023-11-27. Review status: criteria provided, single submitter. Criteria: Invitae Variant Classification Sherloc (09022015). Collection method: clinical testing. Allele origin: germline.
Comment: This sequence change replaces glutamine, which is neutral and polar, with arginine, which is basic and polar, at codon 833 of the RAD50 protein (p.Gln833Arg). This variant is not present in population databases (gnomAD no frequency). This variant has not been reported in the literature in individuals affected with RAD50-related conditions. ClinVar contains an entry for this variant (Variation ID: 1719405). Advanced modeling of protein sequence and biophysical properties (such as structural, functional, and spatial information, amino acid conservation, physicochemical variation, residue mobility, and thermodynamic stability) performed at Invitae indicates that this missense variant is not expected to disrupt RAD50 protein function with a negative predictive value of 80%. In summary, the available evidence is currently insufficient to determine the role of this variant in disease. Therefore, it has been classified as a Variant of Uncertain Significance.

Ambry Genetics
Classification: Uncertain significance for Hereditary cancer-predisposing syndrome. Last evaluated: 2022-11-04. Review status: criteria provided, single submitter. Criteria: Ambry Variant Classification Scheme 2023. Collection method: clinical testing. Allele origin: germline.
Comment: The p.Q833R variant (also known as c.2498A>G), located in coding exon 15 of the RAD50 gene, results from an A to G substitution at nucleotide position 2498. The glutamine at codon 833 is replaced by arginine, an amino acid with highly similar properties. This amino acid position is conserved. In addition, the in silico prediction for this alteration is inconclusive. Since supporting evidence is limited at this time, the clinical significance of this alteration remains unclear.

NM_005732.4(RAD50):c.2498A>G (p.Gln833Arg)

Gene: RAD50 (RAD50 double strand break repair protein; plus strand). Cytogenetic location: 5q31.1.
Variant type: single nucleotide variant.
Coding change: c.2498A>G on transcript NM_005732.4 (MANE Select); coding-DNA position 2498, A replaced by G.
Protein change: p.Gln833Arg; replaces glutamine 833 with arginine.
Molecular consequence: missense variant.
Genome position (GRCh38, 1-based): chr5:132,604,020, A>G. VCF-style: chr5-132604020-A-G. GRCh37 (hg19) VCF-style: chr5-131939712-A-G.
Other names: c.2498A>G (NM_005732.3); short protein forms Q833R.
Identifiers: ClinVar variation 1719405 (VCV001719405.7), dbSNP rs2479666443, ClinGen allele CA360955810.